The following is an entry in ClinVar:

NM_001572.5(IRF7):c.1210A>G (p.Ile404Val)

Gene: IRF7 (interferon regulatory factor 7; minus strand). Cytogenetic location: 11p15.5.
Variant type: single nucleotide variant.
Coding change: c.1210A>G on transcript NM_001572.5 (MANE Select); coding-DNA position 1210, A replaced by G.
Protein change: p.Ile404Val; replaces isoleucine 404 with valine.
Molecular consequence: missense variant.
Genome position (GRCh38, 1-based): chr11:613,233, T>C on the plus strand (A>G on the coding strand, the complement: IRF7 is on the minus strand). VCF-style: chr11-613233-T-C. GRCh37 (hg19) VCF-style: chr11-613233-T-C.
Other names: c.1123A>G, p.Ile375Val (NM_004029.4); c.1249A>G, p.Ile417Val (NM_004031.4); short protein forms I375V, I404V, I417V.
Identifiers: ClinVar variation 2999920 (VCV002999920.3), dbSNP rs1484166244, ClinGen allele CA378978541.

ClinVar aggregate classification (germline): Uncertain significance (1 of 4 stars; one submission).

Conditions:
Immunodeficiency 39 (IMD39). Identifiers: Orphanet 574918, MedGen C4225358, MONDO:0014597, OMIM 616345.

Allele frequency attached by ClinVar (database versions not stated): TOPMed 0.00001; gnomAD 0.00001.

Submission:

Labcorp Genetics (formerly Invitae), Labcorp
Classification: Uncertain significance for Immunodeficiency 39. Last evaluated: 2025-03-04. Review status: criteria provided, single submitter. Criteria: Invitae Variant Classification Sherloc (09022015). Collection method: clinical testing. Allele origin: germline.
Comment: This sequence change replaces isoleucine, which is neutral and non-polar, with valine, which is neutral and non-polar, at codon 417 of the IRF7 protein (p.Ile417Val). This variant is present in population databases (no rsID available, gnomAD 0.002%). This variant has not been reported in the literature in individuals affected with IRF7-related conditions. ClinVar contains an entry for this variant (Variation ID: 2999920). Invitae Evidence Modeling of protein sequence and biophysical properties (such as structural, functional, and spatial information, amino acid conservation, physicochemical variation, residue mobility, and thermodynamic stability) indicates that this missense variant is not expected to disrupt IRF7 protein function with a negative predictive value of 80%. In summary, the available evidence is currently insufficient to determine the role of this variant in disease. Therefore, it has been classified as a Variant of Uncertain Significance.